The following is an entry in ClinVar:

NM_181303.2(NLGN3):c.2342A>G (p.His781Arg)

Gene: NLGN3 (neuroligin 3; plus strand). Cytogenetic location: Xq13.1.
Variant type: single nucleotide variant.
Coding change: c.2342A>G on transcript NM_181303.2 (MANE Select); coding-DNA position 2342, A replaced by G.
Protein change: p.His781Arg; replaces histidine 781 with arginine.
Molecular consequence: missense variant.
Genome position (GRCh38, 1-based): chrX:71,169,892, A>G. VCF-style: chrX-71169892-A-G. GRCh37 (hg19) VCF-style: chrX-70389742-A-G.
Other names: c.2222A>G, p.His741Arg (NM_001166660.2); c.1931A>G, p.His644Arg (NM_001321276.2); c.2282A>G, p.His761Arg (NM_018977.4); short protein forms H644R, H741R, H761R, H781R.
Identifiers: ClinVar variation 3376319 (VCV003376319.1).
Genomic context (GRCh38, chrX:71,169,892, plus strand): 5'-AGGAGCTGGCAGCATTACAACTGGGCCCCACCCACCACGAGTGTGAGGCCGGTCCCCCCC[A>G]TGACACGCTGCGCCTCACTGCATTGCCCGACTACACCCTGACCCTGCGGCGCTCCCCGGA-3'
Protein context (NP_851820.1, residues 771-791): THHECEAGPP[His781Arg]DTLRLTALPD

ClinVar aggregate classification (germline): Uncertain significance (1 of 4 stars; one submission).

Conditions:
Autism, susceptibility to, X-linked 1 (AUTSX1). Also called: Autism susceptibility, X-linked 1. Identifiers: MedGen C1845540, MONDO:0010321, OMIM 300425.

gnomAD v4.1: 9 of 1,196,616 alleles (0.00075%); highest among the groups gnomAD compares: African/African-American, 0.0053%; no homozygotes.

Submission:

Pittsburgh Clinical Genomics Laboratory, University of Pittsburgh Medical Center
Classification: Uncertain significance for Autism, susceptibility to, X-linked 1. Last evaluated: 2023-06-05. Review status: criteria provided, single submitter. Criteria: ACMG Guidelines, 2015. Collection method: clinical testing. Allele origin: germline. Inheritance: X-linked inheritance. Affected: yes.
Comment: This sequence variant is a single nucleotide substitution (A>G) at position 2282 of the coding sequence of the NLGN3 gene that results in a histidine to arginine amino acid change at residue 761 of the neuroligin 3 protein. This variant is absent from ClinVar. This variant is present in 3 of 156131 alleles (0.0019%), including 1 hemizygote, in the gnomAD population dataset. Multiple bioinformatic tools predict that this histidine to arginine amino acid change would be damaging, and the His761 residue at this position is highly conserved across the vertebrate species examined. Studies examining the functiol consequence of this variant have not been performed, to our knowledge. At this time, there is insufficient evidence to determine if this variant is pathogenic or benign. Therefore, we consider this a variant of uncertain significance. ACMG Criteria: PM2, PP3